The following is an entry in ClinVar:

NM_003114.5(SPAG1):c.2364C>G (p.Ser788Arg)

Gene: SPAG1 (sperm associated antigen 1; plus strand). Cytogenetic location: 8q22.2.
Variant type: single nucleotide variant.
Coding change: c.2364C>G on transcript NM_003114.5 (MANE Select); coding-DNA position 2364, C replaced by G.
Protein change: p.Ser788Arg; replaces serine 788 with arginine.
Molecular consequence: missense variant.
Genome position (GRCh38, 1-based): chr8:100,240,486, C>G. VCF-style: chr8-100240486-C-G. GRCh37 (hg19) VCF-style: chr8-101252714-C-G.
Other names: c.2364C>G, p.Ser788Arg (NM_001374321.1, NM_172218.3); short protein forms S788R.
Identifiers: ClinVar variation 1368052 (VCV001368052.8), dbSNP rs778436096, ClinGen allele CA4827731.

ClinVar aggregate classification (germline): Uncertain significance (1 of 4 stars; one submission).

Conditions:
Primary ciliary dyskinesia 28. Also called: CILIARY DYSKINESIA, PRIMARY, 28, WITH OR WITHOUT SITUS INVERSUS. Identifiers: Orphanet 244, MedGen C3809706, MONDO:0014216, OMIM 615505.

Allele frequency attached by ClinVar (database versions not stated): gnomAD exomes below 0.00001 and 0.00001; ExAC 0.00001.
gnomAD v4.1: 5 of 1,614,124 alleles (0.00031%); highest among the groups gnomAD compares: South Asian, 0.0055%; no homozygotes.

Submission:

Labcorp Genetics (formerly Invitae), Labcorp
Classification: Uncertain significance for Primary ciliary dyskinesia 28. Last evaluated: 2022-06-13. Review status: criteria provided, single submitter. Criteria: Invitae Variant Classification Sherloc (09022015). Collection method: clinical testing. Allele origin: germline.
Comment: In summary, the available evidence is currently insufficient to determine the role of this variant in disease. Therefore, it has been classified as a Variant of Uncertain Significance. Algorithms developed to predict the effect of missense changes on protein structure and function (SIFT, PolyPhen-2, Align-GVGD) all suggest that this variant is likely to be tolerated. This variant has not been reported in the literature in individuals affected with SPAG1-related conditions. This variant is present in population databases (rs778436096, gnomAD 0.006%). This sequence change replaces serine, which is neutral and polar, with arginine, which is basic and polar, at codon 788 of the SPAG1 protein (p.Ser788Arg).